The following is an entry in ClinVar:

NM_001283009.2(RTEL1):c.821C>T (p.Ser274Leu)

Genes: RTEL1 (regulator of telomere elongation helicase 1; plus strand), RTEL1-TNFRSF6B (RTEL1-TNFRSF6B readthrough (NMD candidate); plus strand). Cytogenetic location: 20q13.33.
Variant type: single nucleotide variant.
Coding change: c.821C>T on transcript NM_001283009.2 (MANE Select); coding-DNA position 821, C replaced by T.
Protein change: p.Ser274Leu; replaces serine 274 with leucine.
Molecular consequence: missense variant. On other transcripts: non-coding transcript variant (1).
Genome position (GRCh38, 1-based): chr20:63,673,995, C>T. VCF-style: chr20-63673995-C-T. GRCh37 (hg19) VCF-style: chr20-62305348-C-T.
Other names: c.152C>T, p.Ser51Leu (NM_001283010.1); c.821C>T, p.Ser274Leu (NM_016434.4); c.893C>T, p.Ser298Leu (NM_032957.5); short protein forms S51L, S298L, S274L.
Identifiers: ClinVar variation 3948300 (VCV003948300.1).

ClinVar aggregate classification (germline): Uncertain significance (1 of 4 stars; one submission).

Conditions:
Inborn genetic diseases. Identifiers: MedGen C0950123, MeSH D030342.

Submission:

Ambry Genetics
Classification: Uncertain significance for Inborn genetic diseases. Last evaluated: 2025-04-05. Review status: criteria provided, single submitter. Criteria: Ambry Variant Classification Scheme 2023. Collection method: clinical testing. Allele origin: germline.
Comment: The p.S274L variant (also known as c.821C>T), located in coding exon 9 of the RTEL1 gene, results from a C to T substitution at nucleotide position 821. The serine at codon 274 is replaced by leucine, an amino acid with dissimilar properties. This amino acid position is conserved. In addition, the in silico prediction for this alteration is inconclusive. Based on the available evidence, the clinical significance of this variant remains unclear.